The following is an entry in ClinVar:

ClinVar aggregate classification (germline): Uncertain significance (1 of 4 stars; one submission).

Allele frequency attached by ClinVar (database versions not stated): gnomAD exomes below 0.00001.
gnomAD v4.1: 1 of 1,206,914 alleles (0.000083%); highest among the groups gnomAD compares: Non-Finnish European, 0.00011%; no homozygotes.

Submission:

Women's Health and Genetics/Laboratory Corporation of America, LabCorp
Classification: Uncertain significance. Last evaluated: 2023-09-07. Review status: criteria provided, single submitter. Criteria: LabCorp Variant Classification Summary - May 2015. Collection method: clinical testing. Allele origin: germline.
Comment: Variant summary: HUWE1 c.10036-7C>T alters a conserved nucleotide located close to a canonical splice site and therefore could affect mRNA splicing, leading to a significantly altered protein sequence. Consensus agreement among computation tools predict no significant impact on normal splicing. However, these predictions have yet to be confirmed by functional studies. The variant was absent in 170528 control chromosomes. The available data on variant occurrences in the general population are insufficient to allow any conclusion about variant significance. To our knowledge, no occurrence of c.10036-7C>T in individuals affected with Intellectual Disability, X-Linked Syndromic, Turner Type and no experimental evidence demonstrating its impact on protein function have been reported. No submitters have cited clinical-significance assessments for this variant to ClinVar after 2014. Based on the evidence outlined above, the variant was classified as uncertain significance.

NM_031407.7(HUWE1):c.10036-7C>T

Gene: HUWE1 (HECT, UBA and WWE domain containing E3 ubiquitin protein ligase 1; minus strand). Cytogenetic location: Xp11.22.
Variant type: single nucleotide variant.
Coding change: c.10036-7C>T on transcript NM_031407.7 (MANE Select); 7 bases into the intron before coding-DNA position 10036, C replaced by T.
Molecular consequence: intron variant.
Genome position (GRCh38, 1-based): chrX:53,548,280, G>A on the plus strand (C>T on the coding strand, the complement: HUWE1 is on the minus strand). VCF-style: chrX-53548280-G-A. GRCh37 (hg19) VCF-style: chrX-53575241-G-A.
Identifiers: ClinVar variation 2627155 (VCV002627155.1), dbSNP rs2061627108, ClinGen allele CA2429874237.
Genomic context (GRCh38, chrX:53,548,280, plus strand): 5'-ACTCTCACAGTTTGTTTCTTTGGTCCGCTGCTGTGTGAAGTGGCTGGGAAATACCTGCCG[G>A]GAAAAGGAGGACAAGGCTTGGTCTAGGACGTCTTCACAGAGGATGAGCCTTCCTGATAGG-3'